The following is an entry in ClinVar:

NM_000179.3(MSH6):c.2437A>T (p.Lys813Ter)

Gene: MSH6 (mutS homolog 6; plus strand). Cytogenetic location: 2p16.3.
Variant type: single nucleotide variant.
Coding change: c.2437A>T on transcript NM_000179.3 (MANE Select); coding-DNA position 2437, A replaced by T.
Protein change: p.Lys813Ter; replaces lysine 813 with a stop codon.
Molecular consequence: nonsense.
Genome position (GRCh38, 1-based): chr2:47,800,420, A>T. VCF-style: chr2-47800420-A-T. GRCh37 (hg19) VCF-style: chr2-48027559-A-T.
Other names: c.2047A>T, p.Lys683Ter (NM_001281492.2); c.1531A>T, p.Lys511Ter (NM_001281493.2, NM_001281494.2, NM_001406829.1 and 6 more transcripts); c.2533A>T, p.Lys845Ter (NM_001406795.1, NM_001406802.1); c.2437A>T, p.Lys813Ter (NM_001406796.1, NM_001406798.1, NM_001406800.1 and 2 more transcripts); c.2140A>T, p.Lys714Ter (NM_001406797.1, NM_001406801.1, NM_001406828.1 and 10 more transcripts); c.1912A>T, p.Lys638Ter (NM_001406799.1, NM_001406806.1, NM_001406807.1); c.2359A>T, p.Lys787Ter (NM_001406804.1); c.2443A>T, p.Lys815Ter (NM_001406813.1); and 1 more; short protein forms K638*, K757*, K787*, K813*, K511*, K683*, K714*, K815*.
Identifiers: ClinVar variation 1791241 (VCV001791241.2), dbSNP rs1198423647, ClinGen allele CA346754040.

ClinVar aggregate classification (germline): Pathogenic (1 of 4 stars; one submission).

Conditions:
Hereditary cancer-predisposing syndrome. Also called: Hereditary Cancer Syndrome; Hereditary neoplastic syndrome; Tumor predisposition; Neoplastic Syndromes, Hereditary. Identifiers: Orphanet 140162, MedGen C0027672, MeSH D009386, MONDO:0015356.

gnomAD v4.1: 1 of 1,614,102 alleles (0.000062%); highest among the groups gnomAD compares: Non-Finnish European, 0.000085%; no homozygotes.

Submission:

Ambry Genetics
Classification: Pathogenic for Hereditary cancer-predisposing syndrome. Last evaluated: 2020-07-29. Review status: criteria provided, single submitter. Criteria: Ambry Variant Classification Scheme 2023. Collection method: clinical testing. Allele origin: germline.
Comment: The p.K813* pathogenic mutation (also known as c.2437A>T), located in coding exon 4 of the MSH6 gene, results from an A to T substitution at nucleotide position 2437. This changes the amino acid from a lysine to a stop codon within coding exon 4. This alteration is expected to result in loss of function by premature protein truncation or nonsense-mediated mRNA decay. As such, this alteration is interpreted as a disease-causing mutation.